The following is an entry in ClinVar:

NM_198576.4(AGRN):c.3726G>C (p.Gln1242His)

Gene: AGRN (agrin; plus strand). Cytogenetic location: 1p36.33.
Variant type: single nucleotide variant.
Coding change: c.3726G>C on transcript NM_198576.4 (MANE Select); coding-DNA position 3726, G replaced by C.
Protein change: p.Gln1242His; replaces glutamine 1242 with histidine.
Molecular consequence: missense variant.
Genome position (GRCh38, 1-based): chr1:1,047,870, G>C. VCF-style: chr1-1047870-G-C. GRCh37 (hg19) VCF-style: chr1-983250-G-C.
Other names: c.3726G>C, p.Gln1242His (NM_001305275.2); c.3411G>C, p.Gln1137His (NM_001364727.2); short protein forms Q1242H, Q1137H.
Identifiers: ClinVar variation 569726 (VCV000569726.9), dbSNP rs1396984760, ClinGen allele CA337851745.

ClinVar aggregate classification (germline): Uncertain significance (1 of 4 stars; one submission).

Conditions:
Congenital myasthenic syndrome 8. Also called: Myasthenic syndrome, congenital, 8, with pre- and postsynaptic defects; MYASTHENIC SYNDROME, CONGENITAL, DUE TO AGRIN DEFICIENCY. Identifiers: Orphanet 590, MedGen C3808739, MONDO:0014052, OMIM 615120.

Allele frequency attached by ClinVar (database versions not stated): gnomAD exomes below 0.00001; gnomAD 0.00003; TOPMed 0.00003.
gnomAD v4.1: 7 of 1,606,060 alleles (0.00044%); highest among the groups gnomAD compares: African/African-American, 0.0094%; no homozygotes.

Submission:

Labcorp Genetics (formerly Invitae), Labcorp
Classification: Uncertain significance for Congenital myasthenic syndrome 8. Last evaluated: 2023-07-07. Review status: criteria provided, single submitter. Criteria: Invitae Variant Classification Sherloc (09022015). Collection method: clinical testing. Allele origin: germline.
Comment: ClinVar contains an entry for this variant (Variation ID: 569726). This variant has not been reported in the literature in individuals affected with AGRN-related conditions. This variant is present in population databases (no rsID available, gnomAD 0.009%). This sequence change replaces glutamine, which is neutral and polar, with histidine, which is basic and polar, at codon 1242 of the AGRN protein (p.Gln1242His). An algorithm developed to predict the effect of missense changes on protein structure and function (PolyPhen-2) suggests that this variant¬†is likely to be tolerated. In summary, the available evidence is currently insufficient to determine the role of this variant in disease. Therefore, it has been classified as a Variant of Uncertain Significance.